The following is an entry in ClinVar:

ClinVar aggregate classification (germline): Conflicting classifications of pathogenicity. Review status: criteria provided, conflicting classifications (1 of 4 stars). 3 submissions from 3 submitters: Likely pathogenic (1); Uncertain significance (2). Last evaluated 2024-04-03.

Conditions:
Familial hemophagocytic lymphohistiocytosis 3 (FHL3). Also called: UNC13D-Related Familial Hemophagocytic Lymphohistiocytosis (UNC13D-fHLH). Identifiers: Orphanet 540, MedGen C1837174, MONDO:0012146, OMIM 608898.
UNC13D-related disorder. Also called: UNC13D-related condition.

Allele frequency attached by ClinVar (database versions not stated): gnomAD exomes below 0.00001; ExAC 0.00001.
gnomAD v4.1: 1 of 1,613,696 alleles (0.000062%); highest among the groups gnomAD compares: Non-Finnish European, 0.000085%; no homozygotes.

Submissions (3):

Blueprint Genetics
Classification: Likely pathogenic for UNC13D-related disorders. Last evaluated: 2024-04-03. Review status: criteria provided, single submitter. Criteria: ACMG Guidelines, 2015. Collection method: clinical testing. Allele origin: germline. Affected: yes. Observed: 1 variant allele.

3billion
Classification: Uncertain significance for Familial hemophagocytic lymphohistiocytosis 3. Last evaluated: 2023-12-28. Review status: criteria provided, single submitter. Criteria: ACMG Guidelines, 2015. Collection method: clinical testing. Allele origin: germline. Affected: yes.
Comment: The variant is observed at an extremely low frequency in the gnomAD v2.1.1 dataset (total allele frequency: <0.001%). Predicted Consequence/Location: The majority of the known disease-causing variants of this gene are variants expected to result in premature termination of the protein. Damaging effect on gene or gene product predicted by in silico programs is uncertain [REVEL: 0.56 (damaging >=0.6, benign <0.4), 3Cnet: 0.49 (damaging >=0.6, benign <0.15)]. The variant has been observed in an affected unrelated individual (PMID:21248318). Therefore, this variant is classified as uncertain significance according to the recommendation of ACMG/AMP guideline.

Labcorp Genetics (formerly Invitae), Labcorp
Classification: Uncertain significance for Familial hemophagocytic lymphohistiocytosis 3. Last evaluated: 2019-05-23. Review status: criteria provided, single submitter. Criteria: Invitae Variant Classification Sherloc (09022015). Collection method: clinical testing. Allele origin: germline.
Comment: This sequence change replaces serine with leucine at codon 398 of the UNC13D protein (p.Ser398Leu). The serine residue is highly conserved and there is a large physicochemical difference between serine and leucine. This variant is present in population databases (rs747756030, ExAC 0.002%). This variant has been observed in an individual affected with hemophagocytic lymphohistiocytosis (PMID: 21248318). Algorithms developed to predict the effect of missense changes on protein structure and function are either unavailable or do not agree on the potential impact of this missense change (SIFT: "Deleterious"; PolyPhen-2: "Probably Damaging"; Align-GVGD: "Class C0"). In summary, the available evidence is currently insufficient to determine the role of this variant in disease. Therefore, it has been classified as a Variant of Uncertain Significance.

Literature cited by the submitters: PubMed 21248318 (cited by Labcorp Genetics (formerly Invitae), Labcorp).

NM_199242.3(UNC13D):c.1193C>T (p.Ser398Leu)

Gene: UNC13D (unc-13 homolog D; minus strand). Cytogenetic location: 17q25.1.
Variant type: single nucleotide variant.
Coding change: c.1193C>T on transcript NM_199242.3 (MANE Select); coding-DNA position 1193, C replaced by T.
Protein change: p.Ser398Leu; replaces serine 398 with leucine.
Molecular consequence: missense variant.
Genome position (GRCh38, 1-based): chr17:75,836,677, G>A on the plus strand (C>T on the coding strand, the complement: UNC13D is on the minus strand). VCF-style: chr17-75836677-G-A. GRCh37 (hg19) VCF-style: chr17-73832758-G-A.
Other names: short protein forms S398L.
Identifiers: ClinVar variation 947732 (VCV000947732.10), dbSNP rs747756030, ClinGen allele CA8773086.
Genomic context (GRCh38, chr17:75,836,677, plus strand): 5'-GGGAAGACAGAGCGGAACCTCCGGATGAGGGAGAGGCCGTAGGTCAGCAGGGAGCTGAAT[G>A]AGGCGGCCAGCTCCTCCTGCTGAAGAGCCAGGAGATGCTTTAGGGGCCTAGACAGCTGCT-3'
Protein context (NP_954712.1, residues 388-408): KAEQQEELAA[Ser398Leu]FSSLLTYGLS